The following is an entry in ClinVar:

NM_000144.5(FXN):c.286G>A (p.Glu96Lys)

Gene: FXN (frataxin; plus strand). Cytogenetic location: 9q21.11.
Variant type: single nucleotide variant.
Coding change: c.286G>A on transcript NM_000144.5 (MANE Select); coding-DNA position 286, G replaced by A.
Protein change: p.Glu96Lys; replaces glutamic acid 96 with lysine.
Molecular consequence: missense variant.
Genome position (GRCh38, 1-based): chr9:69,053,162, G>A. VCF-style: chr9-69053162-G-A. GRCh37 (hg19) VCF-style: chr9-71668078-G-A.
Other names: c.286G>A, p.Glu96Lys (NM_181425.3); short protein forms E96K.
Identifiers: ClinVar variation 3767653 (VCV003767653.1).

ClinVar aggregate classification (germline): Uncertain significance (1 of 4 stars; one submission).

gnomAD v4.1: 47 of 1,613,804 alleles (0.0029%); highest among the groups gnomAD compares: Non-Finnish European, 0.0038%; no homozygotes.

Submission:

GeneDx
Classification: Uncertain significance. Last evaluated: 2024-09-10. Review status: criteria provided, single submitter. Criteria: GeneDx Variant Classification Process June 2021. Collection method: clinical testing. Allele origin: germline. Affected: yes.
Comment: Not observed at significant frequency in large population cohorts (gnomAD); In silico analysis supports that this missense variant has a deleterious effect on protein structure/function; Has not been previously published as pathogenic or benign to our knowledge